The following is an entry in ClinVar:

NM_001378454.1(ALMS1):c.9803A>G (p.Tyr3268Cys)

Gene: ALMS1 (ALMS1 centrosome and basal body associated protein; plus strand). Cytogenetic location: 2p13.1.
Variant type: single nucleotide variant.
Coding change: c.9803A>G on transcript NM_001378454.1 (MANE Select); coding-DNA position 9803, A replaced by G.
Protein change: p.Tyr3268Cys; replaces tyrosine 3268 with cysteine.
Molecular consequence: missense variant.
Genome position (GRCh38, 1-based): chr2:73,534,845, A>G. VCF-style: chr2-73534845-A-G. GRCh37 (hg19) VCF-style: chr2-73761972-A-G.
Other names: c.9806A>G, p.Tyr3269Cys (NM_015120.4); short protein forms Y3269C, Y3268C.
Identifiers: ClinVar variation 553728 (VCV000553728.9), dbSNP rs375515965, ClinGen allele CA50350448.

ClinVar aggregate classification (germline): Uncertain significance. Review status: criteria provided, multiple submitters, no conflicts (2 of 4 stars). 5 submissions from 5 submitters: Uncertain significance (4). 1 of the submissions does not count toward it. Last evaluated 2024-12-02.

Conditions:
Cardiovascular phenotype. Identifiers: MedGen CN230736.
Alstrom syndrome (ALMS). Identifiers: Orphanet 64, MedGen C0268425, MONDO:0008763, OMIM 203800.
Hearing impairment. Also called: Impaired Hearing. Identifiers: MedGen C1384666, MONDO:0005365, HP:0000365.

Allele frequency attached by ClinVar (database versions not stated): gnomAD 0.00001; gnomAD exomes 0.00001; TOPMed 0.00001; ESP Exome Variant Server 0.00008.
gnomAD v4.1: 51 of 1,613,522 alleles (0.0032%); highest among the groups gnomAD compares: Non-Finnish European, 0.0042%; no homozygotes.

Submissions (5):

Labcorp Genetics (formerly Invitae), Labcorp
Classification: Uncertain significance for Alstrom syndrome. Last evaluated: 2024-12-02. Review status: criteria provided, single submitter. Criteria: Invitae Variant Classification Sherloc (09022015). Collection method: clinical testing. Allele origin: germline.
Comment: This sequence change replaces tyrosine, which is neutral and polar, with cysteine, which is neutral and slightly polar, at codon 3269 of the ALMS1 protein (p.Tyr3269Cys). This variant is present in population databases (rs375515965, gnomAD 0.0009%). This variant has not been reported in the literature in individuals affected with ALMS1-related conditions. ClinVar contains an entry for this variant (Variation ID: 553728). Experimental studies and prediction algorithms are not available or were not evaluated, and the functional significance of this variant is currently unknown. In summary, the available evidence is currently insufficient to determine the role of this variant in disease. Therefore, it has been classified as a Variant of Uncertain Significance.

Ambry Genetics
Classification: Uncertain significance for Cardiovascular phenotype. Last evaluated: 2023-10-20. Review status: criteria provided, single submitter. Criteria: Ambry Variant Classification Scheme 2023. Collection method: clinical testing. Allele origin: germline.
Comment: The p.Y3269C variant (also known as c.9806A>G), located in coding exon 12 of the ALMS1 gene, results from an A to G substitution at nucleotide position 9806. The tyrosine at codon 3269 is replaced by cysteine, an amino acid with highly dissimilar properties. This amino acid position is highly conserved in available vertebrate species. In addition, the in silico prediction for this alteration is inconclusive. Since supporting evidence is limited at this time, the clinical significance of this alteration remains unclear.

Blueprint Genetics
Classification: Uncertain significance. Last evaluated: 2023-03-27. Review status: criteria provided, single submitter. Criteria: ACMG Guidelines, 2015. Collection method: clinical testing. Allele origin: germline.

Department of Otolaryngology – Head & Neck Surgery, Cochlear Implant Center
Classification: Uncertain significance for Hearing impairment. Last evaluated: 2021-04-12. Review status: criteria provided, single submitter. Criteria: ClinGen HL ACMG Specifications v1. Collection method: clinical testing. Allele origin: germline. Affected: yes.
Comment: PM2_Moderate, PP3_Supporting

Counsyl
Classification: Uncertain significance for Alstrom syndrome. Last evaluated: 2017-09-05. Review status: no assertion criteria provided. Collection method: clinical testing. Allele origin: unknown. Not counted in ClinVar's aggregate classification.